The following is an entry in ClinVar:

ClinVar aggregate classification (germline): Uncertain significance. Review status: criteria provided, multiple submitters, no conflicts (2 of 4 stars). 4 submissions from 4 submitters: Uncertain significance (4). Last evaluated 2026-03-06.

Conditions:
ATP1A2-related disorder. Also called: ATP1A2-related condition; ATP1A2-RELATED DISORDERS.
Familial hemiplegic migraine. Identifiers: MedGen C0338484, MONDO:0000700.

Submissions (4):

PreventionGenetics, part of Exact Sciences
Classification: Uncertain significance for ATP1A2-related condition. Last evaluated: 2026-03-06. Review status: criteria provided, single submitter. Criteria: ACMG Guidelines, 2015. Collection method: clinical testing. Allele origin: germline.
Comment: The ATP1A2 c.280C>A variant is predicted to result in the amino acid substitution p.Leu94Ile. To our knowledge, this variant has not been reported in the literature or in a large population database (gnomAD), indicating this variant is rare. At this time, the clinical significance of this variant is uncertain due to the absence of conclusive functional and genetic evidence.

Labcorp Genetics (formerly Invitae), Labcorp
Classification: Uncertain significance for Familial hemiplegic migraine. Last evaluated: 2025-02-19. Review status: criteria provided, single submitter. Criteria: Invitae Variant Classification Sherloc (09022015). Collection method: clinical testing. Allele origin: germline.
Comment: This sequence change replaces leucine, which is neutral and non-polar, with isoleucine, which is neutral and non-polar, at codon 94 of the ATP1A2 protein (p.Leu94Ile). This variant is not present in population databases (gnomAD no frequency). This variant has not been reported in the literature in individuals affected with ATP1A2-related conditions. ClinVar contains an entry for this variant (Variation ID: 648757). Invitae Evidence Modeling of protein sequence and biophysical properties (such as structural, functional, and spatial information, amino acid conservation, physicochemical variation, residue mobility, and thermodynamic stability) indicates that this missense variant is not expected to disrupt ATP1A2 protein function with a negative predictive value of 80%. In summary, the available evidence is currently insufficient to determine the role of this variant in disease. Therefore, it has been classified as a Variant of Uncertain Significance.

Mayo Clinic Laboratories, Mayo Clinic
Classification: Uncertain significance. Last evaluated: 2024-05-23. Review status: criteria provided, single submitter. Criteria: ACMG Guidelines, 2015. Collection method: clinical testing. Allele origin: germline. Observed: 2 variant alleles.
Comment: PM2_moderate

GeneDx
Classification: Uncertain significance. Last evaluated: 2022-08-05. Review status: criteria provided, single submitter. Criteria: GeneDx Variant Classification Process June 2021. Collection method: clinical testing. Allele origin: germline. Affected: yes.
Comment: Not observed at significant frequency in large population cohorts (gnomAD); In silico analysis supports that this missense variant does not alter protein structure/function; Has not been previously published as pathogenic or benign to our knowledge

NM_000702.4(ATP1A2):c.280C>A (p.Leu94Ile)

Gene: ATP1A2 (ATPase Na+/K+ transporting subunit alpha 2; plus strand). Cytogenetic location: 1q23.2.
Variant type: single nucleotide variant.
Coding change: c.280C>A on transcript NM_000702.4 (MANE Select); coding-DNA position 280, C replaced by A.
Protein change: p.Leu94Ile; replaces leucine 94 with isoleucine.
Molecular consequence: missense variant.
Genome position (GRCh38, 1-based): chr1:160,123,315, C>A. VCF-style: chr1-160123315-C-A. GRCh37 (hg19) VCF-style: chr1-160093105-C-A.
Other names: short protein forms L94I.
Identifiers: ClinVar variation 648757 (VCV000648757.19), dbSNP rs950102855, ClinGen allele CA31488971.
Genomic context (GRCh38, chr1:160,123,315, plus strand): 5'-GGGCCCAACGCCCTCACACCACCTCCCACAACCCCTGAGTGGGTCAAGTTCTGCCGTCAG[C>A]TTTTCGGGGGGTTCTCCATCCTGCTGTGGATTGGGGCTATCCTCTGCTTCCTGGCCTACG-3'
Protein context (NP_000693.1, residues 84-104): TPEWVKFCRQ[Leu94Ile]FGGFSILLWI